The following is an entry in ClinVar:

ClinVar aggregate classification (germline): Uncertain significance (1 of 4 stars; one submission).

Allele frequency attached by ClinVar (database versions not stated): gnomAD exomes below 0.00001; TOPMed 0.00001; gnomAD 0.00002.
gnomAD v4.1: 10 of 1,614,122 alleles (0.00062%); highest among the groups gnomAD compares: African/African-American, 0.004%; no homozygotes.

Submission:

Labcorp Genetics (formerly Invitae), Labcorp
Classification: Uncertain significance. Last evaluated: 2022-01-21. Review status: criteria provided, single submitter. Criteria: Invitae Variant Classification Sherloc (09022015). Collection method: clinical testing. Allele origin: germline.
Comment: This sequence change replaces methionine, which is neutral and non-polar, with valine, which is neutral and non-polar, at codon 277 of the ABHD5 protein (p.Met277Val). This variant is present in population databases (no rsID available, gnomAD 0.002%). This variant has not been reported in the literature in individuals affected with ABHD5-related conditions. Algorithms developed to predict the effect of missense changes on protein structure and function are either unavailable or do not agree on the potential impact of this missense change (SIFT: "Deleterious"; PolyPhen-2: "Possibly Damaging"; Align-GVGD: "Class C0"). In summary, the available evidence is currently insufficient to determine the role of this variant in disease. Therefore, it has been classified as a Variant of Uncertain Significance.

NM_016006.6(ABHD5):c.829A>G (p.Met277Val)

Gene: ABHD5 (abhydrolase domain containing 5, lysophosphatidic acid acyltransferase; plus strand). Cytogenetic location: 3p21.33.
Variant type: single nucleotide variant.
Coding change: c.829A>G on transcript NM_016006.6 (MANE Select); coding-DNA position 829, A replaced by G.
Protein change: p.Met277Val; replaces methionine 277 with valine.
Molecular consequence: missense variant. On other transcripts: non-coding transcript variant (1), intron variant (1).
Genome position (GRCh38, 1-based): chr3:43,717,726, A>G. VCF-style: chr3-43717726-A-G. GRCh37 (hg19) VCF-style: chr3-43759218-A-G.
Other names: c.829A>G, p.Met277Val (NM_001355186.2); c.706A>G, p.Met236Val (NM_001365649.1); c.774-717A>G (NM_001365650.1); short protein forms M277V, M236V.
Identifiers: ClinVar variation 2175346 (VCV002175346.1), dbSNP rs1381238730, ClinGen allele CA352347519.